The following is an entry in ClinVar:

ClinVar aggregate classification (germline): Uncertain significance (1 of 4 stars; one submission).

Conditions:
Neurodevelopmental disorder with hypotonia and dysmorphic facies. Identifiers: MedGen C5561974, MONDO:0859185, OMIM 619503.

gnomAD v4.1: 1 of 1,613,514 alleles (0.000062%); highest among the groups gnomAD compares: South Asian, 0.0011%; no homozygotes.

Submission:

Dasa
Classification: Uncertain significance for Neurodevelopmental disorder with hypotonia and dysmorphic facies. Last evaluated: 2025-11-18. Review status: criteria provided, single submitter. Criteria: DASA Assertion Criteria. Collection method: clinical testing. Allele origin: germline.
Comment: NM_005273.4(GNB2):c.319C>T (p.Pro107Ser) is a missense variant that results in the substitution of proline with serine. This variant is rare in population databases. The currently available literature and clinical evidence are not sufficient to establish a definitive association between this variant and the reported condition. Therefore, this variant is classified as a variant of uncertain significance.

NM_005273.4(GNB2):c.319C>T (p.Pro107Ser)

Gene: GNB2 (G protein subunit beta 2; plus strand). Cytogenetic location: 7q22.1.
Variant type: single nucleotide variant.
Coding change: c.319C>T on transcript NM_005273.4 (MANE Select); coding-DNA position 319, C replaced by T.
Protein change: p.Pro107Ser; replaces proline 107 with serine.
Molecular consequence: missense variant.
Genome position (GRCh38, 1-based): chr7:100,677,549, C>T. VCF-style: chr7-100677549-C-T. GRCh37 (hg19) VCF-style: chr7-100275172-C-T.
Other names: short protein forms P107S.
Identifiers: ClinVar variation 4881301 (VCV004881301.2).